The following is an entry in ClinVar:

NM_177438.3(DICER1):c.1484A>T (p.Glu495Val)

Gene: DICER1 (dicer 1, ribonuclease III; minus strand). Cytogenetic location: 14q32.13.
Variant type: single nucleotide variant.
Coding change: c.1484A>T on transcript NM_177438.3 (MANE Select); coding-DNA position 1484, A replaced by T.
Protein change: p.Glu495Val; replaces glutamic acid 495 with valine.
Molecular consequence: missense variant. On other transcripts: 5 prime UTR variant (1), non-coding transcript variant (6).
Genome position (GRCh38, 1-based): chr14:95,117,647, T>A on the plus strand (A>T on the coding strand, the complement: DICER1 is on the minus strand). VCF-style: chr14-95117647-T-A. GRCh37 (hg19) VCF-style: chr14-95583984-T-A.
Other names: c.1484A>T, p.Glu495Val (NM_001395680.1, NM_001395681.1, NM_001395682.1 and 13 more transcripts); c.1202A>T, p.Glu401Val (NM_001395686.1); c.1079A>T, p.Glu360Val (NM_001395687.1, NM_001395688.1, NM_001395689.1 and 3 more transcripts); c.917A>T, p.Glu306Val (NM_001395691.1); c.-85A>T (NM_001395697.1); short protein forms E306V, E360V, E401V, E495V.
Identifiers: ClinVar variation 3229312 (VCV003229312.1), dbSNP rs2543060658, ClinGen allele CA390885466.

ClinVar aggregate classification (germline): Uncertain significance (1 of 4 stars; one submission).

Conditions:
Hereditary cancer-predisposing syndrome. Also called: Neoplastic Syndromes, Hereditary; Tumor predisposition; Hereditary neoplastic syndrome; Hereditary Cancer Syndrome. Identifiers: Orphanet 140162, MedGen C0027672, MeSH D009386, MONDO:0015356.

Submission:

Ambry Genetics
Classification: Uncertain significance for Hereditary cancer-predisposing syndrome. Last evaluated: 2023-12-24. Review status: criteria provided, single submitter. Criteria: Ambry Variant Classification Scheme 2023. Collection method: clinical testing. Allele origin: germline.
Comment: The p.E495V variant (also known as c.1484A>T), located in coding exon 8 of the DICER1 gene, results from an A to T substitution at nucleotide position 1484. The glutamic acid at codon 495 is replaced by valine, an amino acid with dissimilar properties. This amino acid position is conserved. In addition, the in silico prediction for this alteration is inconclusive. Since supporting evidence is limited at this time, the clinical significance of this alteration remains unclear.